The following is an entry in ClinVar:

NM_004714.3(DYRK1B):c.340G>T (p.Asp114Tyr)

Gene: DYRK1B (dual specificity tyrosine phosphorylation regulated kinase 1B; minus strand). Cytogenetic location: 19q13.2.
Variant type: single nucleotide variant.
Coding change: c.340G>T on transcript NM_004714.3 (MANE Select); coding-DNA position 340, G replaced by T.
Protein change: p.Asp114Tyr; replaces aspartic acid 114 with tyrosine.
Molecular consequence: missense variant.
Genome position (GRCh38, 1-based): chr19:39,830,407, C>A on the plus strand (G>T on the coding strand, the complement: DYRK1B is on the minus strand). VCF-style: chr19-39830407-C-A. GRCh37 (hg19) VCF-style: chr19-40321047-C-A.
Other names: c.340G>T (NM_004714.2); c.340G>T, p.Asp114Tyr (NM_006483.3, NM_006484.3); short protein forms D114Y.
Identifiers: ClinVar variation 4015701 (VCV004015701.2).

ClinVar aggregate classification (germline): Uncertain significance. Review status: criteria provided, multiple submitters, no conflicts (2 of 4 stars). 2 submissions from 2 submitters: Uncertain significance (2). Last evaluated 2026-05-08.

Conditions:
Inborn genetic diseases. Identifiers: MedGen C0950123, MeSH D030342.
DYRK1B-related disorder. Also called: DYRK1B-related condition.

gnomAD v4.1: 16 of 1,614,028 alleles (0.00099%); highest among the groups gnomAD compares: Non-Finnish European, 0.0014%; no homozygotes.

Submissions (2):

PreventionGenetics, part of Exact Sciences
Classification: Uncertain significance for DYRK1B-related condition. Last evaluated: 2026-05-08. Review status: criteria provided, single submitter. Criteria: ACMG Guidelines, 2015. Collection method: clinical testing. Allele origin: germline.
Comment: The DYRK1B c.340G>T variant is predicted to result in the amino acid substitution p.Asp114Tyr. To our knowledge, this variant has not been reported in the literature. This variant is reported in 0.019% of alleles in individuals of European (Non-Finnish) descent in gnomAD. Although we suspect that this variant may be benign, at this time, the clinical significance of this variant is uncertain due to the absence of conclusive functional and genetic evidence.

Ambry Genetics
Classification: Uncertain significance for Inborn genetic diseases. Last evaluated: 2025-04-16. Review status: criteria provided, single submitter. Criteria: Ambry Variant Classification Scheme 2023. Collection method: clinical testing. Allele origin: germline.